The following is an entry in ClinVar:

Conditions:
Long QT syndrome 5 (LQT5). Identifiers: Orphanet 101016, Orphanet 768, MedGen C1867904, MONDO:0013372, OMIM 613695.

Submission:

Roden Lab, Vanderbilt University Medical Center
No classification provided (evidence only). Condition: Long QT syndrome 5. Review status: no classification provided. Collection method: in vitro. Allele origin: not applicable. Functional consequence: Effect on ion channel function.
ClinVar note: "not provided" was previously submitted as the classification for the variant. However, the classification appeared to be based only on an observation of functional data so it was converted to no classification on 2025-07-30.

NM_000219.6(KCNE1):c.6C>G (p.Ile2Met)

Gene: KCNE1 (potassium voltage-gated channel subfamily E regulatory subunit 1; minus strand). Cytogenetic location: 21q22.12.
Variant type: single nucleotide variant.
Coding change: c.6C>G on transcript NM_000219.6 (MANE Select); coding-DNA position 6, C replaced by G.
Protein change: p.Ile2Met; replaces isoleucine 2 with methionine.
Molecular consequence: missense variant.
Genome position (GRCh38, 1-based): chr21:34,449,629, G>C on the plus strand (C>G on the coding strand, the complement: KCNE1 is on the minus strand). VCF-style: chr21-34449629-G-C. GRCh37 (hg19) VCF-style: chr21-35821927-G-C.
Other names: c.6C>G, p.Ile2Met (NM_001127668.4, NM_001127669.4, NM_001127670.4 and 4 more transcripts); short protein forms I2M.
Identifiers: ClinVar variation 3373933 (VCV003373933.2).